The following is an entry in ClinVar:

NM_000318.3(PEX2):c.743G>A (p.Gly248Glu)

Gene: PEX2 (peroxisomal biogenesis factor 2; minus strand). Cytogenetic location: 8q21.13.
Variant type: single nucleotide variant.
Coding change: c.743G>A on transcript NM_000318.3 (MANE Select); coding-DNA position 743, G replaced by A.
Protein change: p.Gly248Glu; replaces glycine 248 with glutamic acid.
Molecular consequence: missense variant.
Genome position (GRCh38, 1-based): chr8:76,983,436, C>T on the plus strand (G>A on the coding strand, the complement: PEX2 is on the minus strand). VCF-style: chr8-76983436-C-T. GRCh37 (hg19) VCF-style: chr8-77895672-C-T.
Other names: c.743G>A, p.Gly248Glu (NM_001079867.2, NM_001172086.2, NM_001172087.2); short protein forms G248E.
Identifiers: ClinVar variation 4763813 (VCV004763813.1).

ClinVar aggregate classification (germline): Uncertain significance (1 of 4 stars; one submission).

Conditions:
Peroxisome biogenesis disorder 5A (Zellweger) (PBD5A). Identifiers: Orphanet 912, MedGen C3553940, MONDO:0013932, OMIM 614866.

gnomAD v4.1: 3 of 1,614,130 alleles (0.00019%); highest among the groups gnomAD compares: Non-Finnish European, 0.00025%; no homozygotes.

Submission:

Labcorp Genetics (formerly Invitae), Labcorp
Classification: Uncertain significance for Peroxisome biogenesis disorder 5A (Zellweger). Last evaluated: 2025-06-30. Review status: criteria provided, single submitter. Criteria: Invitae Variant Classification Sherloc (09022015). Collection method: clinical testing. Allele origin: germline.
Comment: This sequence change replaces glycine, which is neutral and non-polar, with glutamic acid, which is acidic and polar, at codon 248 of the PEX2 protein (p.Gly248Glu). This variant is not present in population databases (gnomAD no frequency). This variant has not been reported in the literature in individuals affected with PEX2-related conditions. Invitae Evidence Modeling of protein sequence and biophysical properties (such as structural, functional, and spatial information, amino acid conservation, physicochemical variation, residue mobility, and thermodynamic stability) indicates that this missense variant is not expected to disrupt PEX2 protein function with a negative predictive value of 80%. In summary, the available evidence is currently insufficient to determine the role of this variant in disease. Therefore, it has been classified as a Variant of Uncertain Significance.